The following is an entry in ClinVar:

NM_003072.5(SMARCA4):c.4246G>A (p.Asp1416Asn)

Gene: SMARCA4 (SWI/SNF related BAF chromatin remodeling complex subunit ATPase 4; plus strand). Cytogenetic location: 19p13.2.
Variant type: single nucleotide variant.
Coding change: c.4246G>A on transcript NM_003072.5 (MANE Select); coding-DNA position 4246, G replaced by A.
Protein change: p.Asp1416Asn; replaces aspartic acid 1416 with asparagine.
Molecular consequence: missense variant. On other transcripts: non-coding transcript variant (1).
Genome position (GRCh38, 1-based): chr19:11,041,382, G>A. VCF-style: chr19-11041382-G-A. GRCh37 (hg19) VCF-style: chr19-11152058-G-A.
Other names: c.4246G>A, p.Asp1416Asn (NM_001128844.3); c.4156G>A, p.Asp1386Asn (NM_001128845.2, NM_001128846.2); c.4147G>A, p.Asp1383Asn (NM_001128847.4, NM_001128848.2, NM_001374457.1); c.4342G>A, p.Asp1448Asn (NM_001128849.3, NM_001387283.1); c.4243G>A, p.Asp1415Asn (NM_001411150.1); short protein forms D1383N, D1386N, D1415N, D1416N, D1448N.
Identifiers: ClinVar variation 1721151 (VCV001721151.8), dbSNP rs1600466835, ClinGen allele CA404073173.

ClinVar aggregate classification (germline): Uncertain significance. Review status: criteria provided, multiple submitters, no conflicts (2 of 4 stars). 2 submissions from 2 submitters: Uncertain significance (2). Last evaluated 2024-03-26.

Conditions:
Hereditary cancer-predisposing syndrome. Also called: Hereditary neoplastic syndrome; Neoplastic Syndromes, Hereditary; Hereditary Cancer Syndrome; Tumor predisposition. Identifiers: Orphanet 140162, MedGen C0027672, MeSH D009386, MONDO:0015356.
Rhabdoid tumor predisposition syndrome 2 (RTPS2). Identifiers: Orphanet 231108, Orphanet 69077, MedGen C2750074, MONDO:0013224, OMIM 613325.

Allele frequency attached by ClinVar (database versions not stated): gnomAD exomes below 0.00001.
gnomAD v4.1: 1 of 1,612,730 alleles (0.000062%); highest among the groups gnomAD compares: South Asian, 0.0011%; no homozygotes.

Submissions (2):

Labcorp Genetics (formerly Invitae), Labcorp
Classification: Uncertain significance for Rhabdoid tumor predisposition syndrome 2. Last evaluated: 2024-03-26. Review status: criteria provided, single submitter. Criteria: Invitae Variant Classification Sherloc (09022015). Collection method: clinical testing. Allele origin: germline.
Comment: This sequence change replaces aspartic acid, which is acidic and polar, with asparagine, which is neutral and polar, at codon 1448 of the SMARCA4 protein (p.Asp1448Asn). This variant is not present in population databases (gnomAD no frequency). This variant has not been reported in the literature in individuals affected with SMARCA4-related conditions. ClinVar contains an entry for this variant (Variation ID: 1721151). Advanced modeling of protein sequence and biophysical properties (such as structural, functional, and spatial information, amino acid conservation, physicochemical variation, residue mobility, and thermodynamic stability) has been performed at Invitae for this missense variant, however the output from this modeling did not meet the statistical confidence thresholds required to predict the impact of this variant on SMARCA4 protein function. In summary, the available evidence is currently insufficient to determine the role of this variant in disease. Therefore, it has been classified as a Variant of Uncertain Significance.

Ambry Genetics
Classification: Uncertain significance for Hereditary cancer-predisposing syndrome. Last evaluated: 2022-01-06. Review status: criteria provided, single submitter. Criteria: Ambry Variant Classification Scheme 2023. Collection method: clinical testing. Allele origin: germline.
Comment: The p.D1448N variant (also known as c.4342G>A), located in coding exon 30 of the SMARCA4 gene, results from a G to A substitution at nucleotide position 4342. The aspartic acid at codon 1448 is replaced by asparagine, an amino acid with highly similar properties. This amino acid position is well conserved in available vertebrate species. In addition, this alteration is predicted to be tolerated by in silico analysis. Missense and in-frame variants in SMARCA4 are known to cause neurodevelopmental disorders; however, such associations with rhabdoid tumor predisposition syndrome including small cell carcinoma of the ovary-hypercalcemic type (SCCOHT) are exceedingly rare (Kosho T et al. Am J Med Genet C Semin Med Genet. 2014 Sep;166C(3):262-75; Jelinic P et al. Nat Genet. 2014 May;46(5):424-6). Since supporting evidence is limited at this time, the clinical significance of this alteration remains unclear.